The following is an entry in ClinVar:

NM_006648.4(WNK2):c.472G>A (p.Ala158Thr)

Gene: WNK2 (WNK lysine deficient protein kinase 2; plus strand). Cytogenetic location: 9q22.31.
Variant type: single nucleotide variant.
Coding change: c.472G>A on transcript NM_006648.4 (MANE Select); coding-DNA position 472, G replaced by A.
Protein change: p.Ala158Thr; replaces alanine 158 with threonine.
Molecular consequence: missense variant.
Genome position (GRCh38, 1-based): chr9:93,185,401, G>A. VCF-style: chr9-93185401-G-A. GRCh37 (hg19) VCF-style: chr9-95947683-G-A.
Other names: c.472G>A, p.Ala158Thr (NM_001282394.3); short protein forms A158T.
Identifiers: ClinVar variation 5031836 (VCV005031836.1).

ClinVar aggregate classification (germline): Uncertain significance (1 of 4 stars; one submission).

Submission:

Ambry Genetics
Classification: Uncertain significance. Last evaluated: 2026-07-09. Review status: criteria provided, single submitter. Criteria: Ambry Variant Classification Scheme 2023. Collection method: clinical testing. Allele origin: germline.
Comment: The p.A158T variant (also known as c.472G>A), located in coding exon 1 of the WNK2 gene, results from a G to A substitution at nucleotide position 472. The alanine at codon 158 is replaced by threonine, an amino acid with similar properties. This amino acid position is conserved. In addition, this alteration is predicted to be tolerated by in silico analysis. Based on the available evidence, the clinical significance of this variant remains unclear.